The following is an entry in ClinVar:

ClinVar aggregate classification (germline): Uncertain significance (1 of 4 stars; one submission).

Conditions:
Distal hereditary motor neuropathy type 2. Identifiers: Orphanet 139525, MedGen C3711384, MeSH C580044, MONDO:0015352.

Allele frequency attached by ClinVar (database versions not stated): gnomAD exomes below 0.00001.
gnomAD v4.1: 1 of 1,612,588 alleles (0.000062%); highest among the groups gnomAD compares: Non-Finnish European, 0.000085%; no homozygotes.

Submission:

Labcorp Genetics (formerly Invitae), Labcorp
Classification: Uncertain significance for Distal hereditary motor neuropathy type 2. Last evaluated: 2023-10-09. Review status: criteria provided, single submitter. Criteria: Invitae Variant Classification Sherloc (09022015). Collection method: clinical testing. Allele origin: germline.
Comment: This sequence change replaces leucine, which is neutral and non-polar, with phenylalanine, which is neutral and non-polar, at codon 135 of the FBXO38 protein (p.Leu135Phe). This variant is not present in population databases (gnomAD no frequency). This variant has not been reported in the literature in individuals affected with FBXO38-related conditions. Advanced modeling of protein sequence and biophysical properties (such as structural, functional, and spatial information, amino acid conservation, physicochemical variation, residue mobility, and thermodynamic stability) has been performed at Invitae for this missense variant, however the output from this modeling did not meet the statistical confidence thresholds required to predict the impact of this variant on FBXO38 protein function. In summary, the available evidence is currently insufficient to determine the role of this variant in disease. Therefore, it has been classified as a Variant of Uncertain Significance.

NM_205836.3(FBXO38):c.405G>T (p.Leu135Phe)

Gene: FBXO38 (F-box protein 38; plus strand). Cytogenetic location: 5q32.
Variant type: single nucleotide variant.
Coding change: c.405G>T on transcript NM_205836.3 (MANE Select); coding-DNA position 405, G replaced by T.
Protein change: p.Leu135Phe; replaces leucine 135 with phenylalanine.
Molecular consequence: missense variant.
Genome position (GRCh38, 1-based): chr5:148,402,124, G>T. VCF-style: chr5-148402124-G-T. GRCh37 (hg19) VCF-style: chr5-147781687-G-T.
Other names: c.405G>T, p.Leu135Phe (NM_001271723.2, NM_030793.5); short protein forms L135F.
Identifiers: ClinVar variation 2764751 (VCV002764751.3), dbSNP rs1296039801, ClinGen allele CA361654933.